The following is an entry in ClinVar:

NM_024301.5(FKRP):c.481G>A (p.Ala161Thr)

Gene: FKRP (fukutin related protein; plus strand). Cytogenetic location: 19q13.32.
Variant type: single nucleotide variant.
Coding change: c.481G>A on transcript NM_024301.5 (MANE Select); coding-DNA position 481, G replaced by A.
Protein change: p.Ala161Thr; replaces alanine 161 with threonine.
Molecular consequence: missense variant.
Genome position (GRCh38, 1-based): chr19:46,755,931, G>A. VCF-style: chr19-46755931-G-A. GRCh37 (hg19) VCF-style: chr19-47259188-G-A.
Other names: c.481G>A, p.Ala161Thr (NM_001039885.3); short protein forms A161T.
Identifiers: ClinVar variation 3227829 (VCV003227829.1), dbSNP rs2513988644, ClinGen allele CA406495409.

ClinVar aggregate classification (germline): Uncertain significance (1 of 4 stars; one submission).

Conditions:
Cardiovascular phenotype. Identifiers: MedGen CN230736.

Submission:

Ambry Genetics
Classification: Uncertain significance for Cardiovascular phenotype. Last evaluated: 2024-01-16. Review status: criteria provided, single submitter. Criteria: Ambry Variant Classification Scheme 2023. Collection method: clinical testing. Allele origin: germline.
Comment: The p.A161T variant (also known as c.481G>A), located in coding exon 1 of the FKRP gene, results from a G to A substitution at nucleotide position 481. The alanine at codon 161 is replaced by threonine, an amino acid with similar properties. This amino acid position is conserved. In addition, this alteration is predicted to be tolerated by in silico analysis. Since supporting evidence is limited at this time, the clinical significance of this alteration remains unclear.